The following is an entry in ClinVar:

ClinVar aggregate classification (germline): Uncertain significance (1 of 4 stars; one submission).

Conditions:
Nephronophthisis 15 (NPHP15). Identifiers: Orphanet 3156, MedGen C3541853, MONDO:0013917, OMIM 614845.

Allele frequency attached by ClinVar (database versions not stated): TOPMed below 0.00001.
gnomAD v4.1: 2 of 1,614,000 alleles (0.00012%); no homozygotes.

Submission:

Labcorp Genetics (formerly Invitae), Labcorp
Classification: Uncertain significance for Nephronophthisis 15. Last evaluated: 2024-10-08. Review status: criteria provided, single submitter. Criteria: Invitae Variant Classification Sherloc (09022015). Collection method: clinical testing. Allele origin: germline.
Comment: This sequence change replaces asparagine, which is neutral and polar, with lysine, which is basic and polar, at codon 240 of the CEP164 protein (p.Asn240Lys). This variant is not present in population databases (gnomAD no frequency). This variant has not been reported in the literature in individuals affected with CEP164-related conditions. ClinVar contains an entry for this variant (Variation ID: 2200504). An algorithm developed to predict the effect of missense changes on protein structure and function (PolyPhen-2) suggests that this variant is likely to be disruptive. In summary, the available evidence is currently insufficient to determine the role of this variant in disease. Therefore, it has been classified as a Variant of Uncertain Significance.

NM_014956.5(CEP164):c.720C>G (p.Asn240Lys)

Gene: CEP164 (centrosomal protein 164; plus strand). Cytogenetic location: 11q23.3.
Variant type: single nucleotide variant.
Coding change: c.720C>G on transcript NM_014956.5 (MANE Select); coding-DNA position 720, C replaced by G.
Protein change: p.Asn240Lys; replaces asparagine 240 with lysine.
Molecular consequence: missense variant.
Genome position (GRCh38, 1-based): chr11:117,363,461, C>G. VCF-style: chr11-117363461-C-G. GRCh37 (hg19) VCF-style: chr11-117234177-C-G.
Other names: c.720C>G, p.Asn240Lys (NM_001271933.2); short protein forms N240K.
Identifiers: ClinVar variation 2200504 (VCV002200504.4), dbSNP rs2041244905, ClinGen allele CA382733158.
Genomic context (GRCh38, chr11:117,363,461, plus strand): 5'-TACCACTTGTCATCATTTTTGTTTCTAGAGTGTCCACAGCTCAAGTGAGCCTCTTAGGAA[C>G]CTACACCTGGACATTGGGGCACTGGGGGGTGACTTTGAGTATGAGGTAAGAGCCCTAATC-3'
Protein context (NP_055771.4, residues 230-250): SVHSSSEPLR[Asn240Lys]LHLDIGALGG